The following is an entry in ClinVar:

NM_000535.7(PMS2):c.75G>C (p.Gln25His)

Gene: PMS2 (PMS1 homolog 2, mismatch repair system component; minus strand). Cytogenetic location: 7p22.1.
Variant type: single nucleotide variant.
Coding change: c.75G>C on transcript NM_000535.7 (MANE Select); coding-DNA position 75, G replaced by C.
Protein change: p.Gln25His; replaces glutamine 25 with histidine.
Molecular consequence: missense variant. On other transcripts: 5 prime UTR variant (8), non-coding transcript variant (1), intron variant (3).
Genome position (GRCh38, 1-based): chr7:6,005,980, C>G on the plus strand (G>C on the coding strand, the complement: PMS2 is on the minus strand). VCF-style: chr7-6005980-C-G. GRCh37 (hg19) VCF-style: chr7-6045611-C-G.
Other names: c.-331G>C (NM_001322003.2, NM_001322005.2, NM_001322009.2 and 1 more transcripts); c.75G>C, p.Gln25His (NM_001322006.2, NM_001322014.2); c.-141G>C (NM_001322007.2); c.-810G>C (NM_001322011.2, NM_001322012.2); c.-410G>C (NM_001322015.2); c.-52-1922G>C (NM_001322008.2); c.-242-1922G>C (NM_001322010.2, NM_001322004.2); c.75G>C (NM_000535.5); short protein forms Q25H.
Identifiers: ClinVar variation 1421406 (VCV001421406.8), dbSNP rs1554306525, ClinGen allele CA366745110.

ClinVar aggregate classification (germline): Uncertain significance. Review status: criteria provided, multiple submitters, no conflicts (2 of 4 stars). 3 submissions from 3 submitters: Uncertain significance (3). Last evaluated 2026-02-26.

Conditions:
Hereditary cancer-predisposing syndrome. Also called: Neoplastic Syndromes, Hereditary; Tumor predisposition; Hereditary Cancer Syndrome; Hereditary neoplastic syndrome. Identifiers: Orphanet 140162, MedGen C0027672, MeSH D009386, MONDO:0015356.
Lynch syndrome 4 (LYNCH4). Also called: Hereditary non-polyposis colorectal cancer, type 4; Colorectal cancer, hereditary nonpolyposis, type 4. Identifiers: Orphanet 144, MedGen C1838333, MONDO:0013699, OMIM 614337. Disease mechanism: loss of function.
Hereditary nonpolyposis colorectal neoplasms. Identifiers: MedGen C0009405, MeSH D003123.

Submissions (3):

Ambry Genetics
Classification: Uncertain significance for Hereditary cancer-predisposing syndrome. Last evaluated: 2026-02-26. Review status: criteria provided, single submitter. Criteria: Ambry Variant Classification Scheme 2023. Collection method: clinical testing. Allele origin: germline.
Comment: The p.Q25H variant (also known as c.75G>C), located in coding exon 2 of the PMS2 gene, results from a G to C substitution at nucleotide position 75. The glutamine at codon 25 is replaced by histidine, an amino acid with highly similar properties. This amino acid position is well conserved in available vertebrate species. In addition, this alteration is predicted to be deleterious by in silico analysis. Based on the available evidence, the clinical significance of this variant remains unclear.

Baylor Genetics
Classification: Uncertain significance for Lynch syndrome 4. Last evaluated: 2023-09-08. Review status: criteria provided, single submitter. Criteria: ACMG Guidelines, 2015. Collection method: clinical testing. Allele origin: unknown.

Labcorp Genetics (formerly Invitae), Labcorp
Classification: Uncertain significance for Hereditary nonpolyposis colorectal neoplasms. Last evaluated: 2021-10-16. Review status: criteria provided, single submitter. Criteria: Invitae Variant Classification Sherloc (09022015). Collection method: clinical testing. Allele origin: germline.
Comment: In summary, the available evidence is currently insufficient to determine the role of this variant in disease. Therefore, it has been classified as a Variant of Uncertain Significance. This sequence change replaces glutamine with histidine at codon 25 of the PMS2 protein (p.Gln25His). The glutamine residue is highly conserved and there is a small physicochemical difference between glutamine and histidine. This variant is not present in population databases (ExAC no frequency). A different missense change with the same protein effect has been observed in individual(s) with clinical features of Lynch syndrome (PMID: 28449805). Advanced modeling of protein sequence and biophysical properties (such as structural, functional, and spatial information, amino acid conservation, physicochemical variation, residue mobility, and thermodynamic stability) performed at Invitae indicates that this missense variant is not expected to disrupt PMS2 protein function.

Literature cited by the submitters: PubMed 28449805 (cited by Labcorp Genetics (formerly Invitae), Labcorp).